The following is an entry in ClinVar:

NM_001009944.3(PKD1):c.5501A>G (p.Asn1834Ser)

Gene: PKD1 (polycystin 1, transient receptor potential channel interacting; minus strand). Cytogenetic location: 16p13.3.
Variant type: single nucleotide variant.
Coding change: c.5501A>G on transcript NM_001009944.3 (MANE Select); coding-DNA position 5501, A replaced by G.
Protein change: p.Asn1834Ser; replaces asparagine 1834 with serine.
Molecular consequence: missense variant.
Genome position (GRCh38, 1-based): chr16:2,109,666, T>C on the plus strand (A>G on the coding strand, the complement: PKD1 is on the minus strand). VCF-style: chr16-2109666-T-C. GRCh37 (hg19) VCF-style: chr16-2159667-T-C.
Other names: c.5501A>G, p.Asn1834Ser (NM_000296.4); c.5501A>G (NM_000296.3); short protein forms N1834S.
Identifiers: ClinVar variation 387721 (VCV000387721.5), dbSNP rs544092291, ClinGen allele CA7831960.

ClinVar aggregate classification (germline): Uncertain significance. Review status: criteria provided, multiple submitters, no conflicts (2 of 4 stars). 3 submissions from 3 submitters: Uncertain significance (3). Last evaluated 2023-06-13.

Conditions:
Inborn genetic diseases. Identifiers: MedGen C0950123, MeSH D030342.
Polycystic kidney disease, adult type (PKD1). Also called: Polycystic Kidney, Autosomal Dominant; POLYCYSTIC KIDNEY DISEASE 1 WITH OR WITHOUT POLYCYSTIC LIVER DISEASE; Polycystic Kidney Disease 1, Autosomal Dominant; Polycystic kidney disease 1; Polycystic kidney disease 1, severe; POLYCYSTIC KIDNEY DISEASE, ADULT, TYPE I. Identifiers: MedGen C3149841, MONDO:0008263, OMIM 173900.

Allele frequency attached by ClinVar (database versions not stated): gnomAD 0.00004 and 0.00007; TOPMed 0.00005; gnomAD exomes 0.00006; ExAC 0.00017; 1000 Genomes Project 30x 0.00031; 1000 Genomes Project 0.00040.

Submissions (3):

Ambry Genetics
Classification: Uncertain significance for Inborn genetic diseases. Last evaluated: 2023-06-13. Review status: criteria provided, single submitter. Criteria: Ambry Variant Classification Scheme 2023. Collection method: clinical testing. Allele origin: germline.

Fulgent Genetics
Classification: Uncertain significance for Polycystic kidney disease, adult type. Last evaluated: 2022-02-11. Review status: criteria provided, single submitter. Criteria: ACMG Guidelines, 2015. Collection method: clinical testing. Allele origin: unknown.

GeneDx
Classification: Uncertain significance. Last evaluated: 2016-07-06. Review status: criteria provided, single submitter. Criteria: GeneDx Variant Classification (06012015). Collection method: clinical testing. Allele origin: germline. Affected: yes.
Comment: The N1834S variant in the PKD1 gene has not been reported previously as a pathogenic variant, noras a benign variant, to our knowledge. This variant was not observed in approximately 6500individuals of European and African American ancestry in the NHLBI Exome Sequencing Project,indicating it is not a common benign variant in these populations. The N1834S variant is aconservative amino acid substitution, which is not likely to impact secondary protein structure asthese residues share similar properties. This substitution occurs at a position that is not conserved, andin silico analysis predicts this variant likely does not alter the protein structure/function. We interpretN1834S as a variant of uncertain significance.